The following is an entry in ClinVar:

ClinVar aggregate classification (germline): Uncertain significance. Review status: criteria provided, multiple submitters, no conflicts (2 of 4 stars). 2 submissions from 2 submitters: Uncertain significance (2). Last evaluated 2023-09-05.

Conditions:
Hereditary cancer-predisposing syndrome. Also called: Neoplastic Syndromes, Hereditary; Hereditary neoplastic syndrome; Hereditary Cancer Syndrome; Tumor predisposition. Identifiers: Orphanet 140162, MedGen C0027672, MeSH D009386, MONDO:0015356.
Ataxia-telangiectasia syndrome (AT). Also called: Ataxia-telangiectasia, complementation group E; Ataxia telangiectasia (A-T); LOUIS-BAR SYNDROME; ATAXIA-TELANGIECTASIA, FRESNO VARIANT; AT, COMPLEMENTATION GROUP C; Ataxia-telangiectasia. Identifiers: Orphanet 100, MedGen C0004135, MONDO:0008840, OMIM 208900.

Submissions (2):

Color Diagnostics, LLC DBA Color Health
Classification: Uncertain significance for Hereditary cancer-predisposing syndrome. Last evaluated: 2023-09-05. Review status: criteria provided, single submitter. Criteria: ACMG Guidelines, 2015. Collection method: clinical testing. Allele origin: germline.
Comment: This missense variant replaces serine with leucine at codon 530 of the ATM protein. Computational prediction suggests that this variant may not impact protein structure and function (internally defined REVEL score threshold <= 0.5, PMID: 27666373). To our knowledge, functional studies have not been reported for this variant. This variant has not been reported in individuals affected with ATM-related disorders in the literature. This variant has not been identified in the general population by the Genome Aggregation Database (gnomAD). The available evidence is insufficient to determine the role of this variant in disease conclusively. Therefore, this variant is classified as a Variant of Uncertain Significance.

Labcorp Genetics (formerly Invitae), Labcorp
Classification: Uncertain significance for Ataxia-telangiectasia syndrome. Last evaluated: 2019-04-03. Review status: criteria provided, single submitter. Criteria: Invitae Variant Classification Sherloc (09022015). Collection method: clinical testing. Allele origin: germline.
Comment: This sequence change replaces serine with leucine at codon 530 of the ATM protein (p.Ser530Leu). The serine residue is moderately conserved and there is a large physicochemical difference between serine and leucine. This variant is not present in population databases (ExAC no frequency). This variant has not been reported in the literature in individuals with ATM-related conditions. Algorithms developed to predict the effect of missense changes on protein structure and function (SIFT, PolyPhen-2, Align-GVGD) all suggest that this variant is likely to be tolerated, but these predictions have not been confirmed by published functional studies and their clinical significance is uncertain. In summary, the available evidence is currently insufficient to determine the role of this variant in disease. Therefore, it has been classified as a Variant of Uncertain Significance.

NM_000051.4(ATM):c.1589C>T (p.Ser530Leu)

Gene: ATM (ATM serine/threonine kinase; plus strand). Cytogenetic location: 11q22.3.
Variant type: single nucleotide variant.
Coding change: c.1589C>T on transcript NM_000051.4 (MANE Select); coding-DNA position 1589, C replaced by T.
Protein change: p.Ser530Leu; replaces serine 530 with leucine.
Molecular consequence: missense variant.
Genome position (GRCh38, 1-based): chr11:108,251,054, C>T. VCF-style: chr11-108251054-C-T. GRCh37 (hg19) VCF-style: chr11-108121781-C-T.
Other names: c.1589C>T, p.Ser530Leu (NM_001351834.2); short protein forms S530L.
Identifiers: ClinVar variation 947564 (VCV000947564.10), dbSNP rs2080120731, ClinGen allele CA382534422.
Genomic context (GRCh38, chr11:108,251,054, plus strand): 5'-CCATAATTCAGGGTAGTTTAGTTGAGGTTGACAGAGAATTCTGGAAGTTATTTACTGGGT[C>T]AGCCTGCAGACCTTCATGGTAAGTTCAGCATGCATTATGTCTGACTTACAGATAAACACA-3'
Protein context (NP_000042.3, residues 520-540): DREFWKLFTG[Ser530Leu]ACRPSCPAVC